The following is an entry in ClinVar:

NM_000081.4(LYST):c.1326T>A (p.Phe442Leu)

Gene: LYST (lysosomal trafficking regulator; minus strand). Cytogenetic location: 1q42.3.
Variant type: single nucleotide variant.
Coding change: c.1326T>A on transcript NM_000081.4 (MANE Select); coding-DNA position 1326, T replaced by A.
Protein change: p.Phe442Leu; replaces phenylalanine 442 with leucine.
Molecular consequence: missense variant.
Genome position (GRCh38, 1-based): chr1:235,809,492, A>T on the plus strand (T>A on the coding strand, the complement: LYST is on the minus strand). VCF-style: chr1-235809492-A-T. GRCh37 (hg19) VCF-style: chr1-235972792-A-T.
Other names: c.1326T>A, p.Phe442Leu (NM_001301365.1); short protein forms F442L.
Identifiers: ClinVar variation 4744017 (VCV004744017.1).

ClinVar aggregate classification (germline): Uncertain significance (1 of 4 stars; one submission).

Conditions:
Chédiak-Higashi syndrome (CHS). Also called: Chediak-Higashi Syndrome. Identifiers: Orphanet 167, MedGen C0007965, MONDO:0008963, OMIM 214500.

Submission:

Labcorp Genetics (formerly Invitae), Labcorp
Classification: Uncertain significance for Chédiak-Higashi syndrome. Last evaluated: 2025-08-01. Review status: criteria provided, single submitter. Criteria: Invitae Variant Classification Sherloc (09022015). Collection method: clinical testing. Allele origin: germline.
Comment: This sequence change replaces phenylalanine, which is neutral and non-polar, with leucine, which is neutral and non-polar, at codon 442 of the LYST protein (p.Phe442Leu). This variant is not present in population databases (gnomAD no frequency). This variant has not been reported in the literature in individuals affected with LYST-related conditions. Invitae Evidence Modeling of protein sequence and biophysical properties (such as structural, functional, and spatial information, amino acid conservation, physicochemical variation, residue mobility, and thermodynamic stability) indicates that this missense variant is not expected to disrupt LYST protein function with a negative predictive value of 80%. In summary, the available evidence is currently insufficient to determine the role of this variant in disease. Therefore, it has been classified as a Variant of Uncertain Significance.